The following is an entry in ClinVar:

ClinVar aggregate classification (germline): Likely benign. Review status: criteria provided, single submitter (1 of 4 stars). 2 submissions from 2 submitters: Likely benign (1). 1 of the submissions does not count toward it. Last evaluated 2018-12-19.

Conditions:
PLAT-related disorder. Also called: PLAT-related condition.

Allele frequency attached by ClinVar (database versions not stated): 1000 Genomes Project 0.00040; 1000 Genomes Project 30x 0.00062; gnomAD exomes 0.00169 and 0.00286; gnomAD 0.00185 and 0.00208; ExAC 0.00188; TOPMed 0.00206; ESP Exome Variant Server 0.00254.
gnomAD v4.1: 4,480 of 1,612,350 alleles (0.28%); highest among the groups gnomAD compares: Non-Finnish European, 0.34%; 9 homozygotes.

Submissions (2):

Labcorp Genetics (formerly Invitae), Labcorp
Classification: Likely benign. Last evaluated: 2018-12-19. Review status: criteria provided, single submitter. Criteria: Invitae Variant Classification Sherloc (09022015). Collection method: clinical testing. Allele origin: germline.

PreventionGenetics, part of Exact Sciences
Classification: Likely benign for PLAT-related condition. Last evaluated: 2022-02-15. Review status: no assertion criteria provided. Collection method: clinical testing. Allele origin: germline. Not counted in ClinVar's aggregate classification.
Comment: This variant is classified as likely benign based on ACMG/AMP sequence variant interpretation guidelines (Richards et al. 2015 PMID: 25741868, with internal and published modifications).

NM_000930.5(PLAT):c.860C>T (p.Thr287Met)

Gene: PLAT (plasminogen activator, tissue type; minus strand). Cytogenetic location: 8p11.21.
Variant type: single nucleotide variant.
Coding change: c.860C>T on transcript NM_000930.5 (MANE Select); coding-DNA position 860, C replaced by T.
Protein change: p.Thr287Met; replaces threonine 287 with methionine.
Molecular consequence: missense variant.
Genome position (GRCh38, 1-based): chr8:42,181,966, G>A on the plus strand (C>T on the coding strand, the complement: PLAT is on the minus strand). VCF-style: chr8-42181966-G-A. GRCh37 (hg19) VCF-style: chr8-42039484-G-A.
Other names: c.593C>T, p.Thr198Met (NM_001319189.2); c.722C>T, p.Thr241Met (NM_033011.4); short protein forms T198M, T287M, T241M.
Identifiers: ClinVar variation 772903 (VCV000772903.18), dbSNP rs114878147, ClinGen allele CA4731213.